The following is an entry in ClinVar:

ClinVar aggregate classification (germline): Likely benign. Review status: criteria provided, single submitter (1 of 4 stars). 2 submissions from 2 submitters: Likely benign (1). 1 of the submissions does not count toward it. Last evaluated 2024-06-03.

Conditions:
GREB1L-related disorder. Also called: GREB1L-related condition.

Allele frequency attached by ClinVar (database versions not stated): gnomAD exomes 0.00004; TOPMed 0.00006; gnomAD 0.00008; 1000 Genomes Project 30x 0.00016; 1000 Genomes Project 0.00020; ExAC 0.00022.
gnomAD v4.1: 73 of 1,551,628 alleles (0.0047%); highest among the groups gnomAD compares: Middle Eastern, 0.05%; no homozygotes.

Submissions (2):

Labcorp Genetics (formerly Invitae), Labcorp
Classification: Likely benign. Last evaluated: 2024-06-03. Review status: criteria provided, single submitter. Criteria: Invitae Variant Classification Sherloc (09022015). Collection method: clinical testing. Allele origin: germline.

PreventionGenetics, part of Exact Sciences
Classification: Likely benign for GREB1L-related condition. Last evaluated: 2020-01-10. Review status: no assertion criteria provided. Collection method: clinical testing. Allele origin: germline. Not counted in ClinVar's aggregate classification.
Comment: This variant is classified as likely benign based on ACMG/AMP sequence variant interpretation guidelines (Richards et al. 2015 PMID: 25741868, with internal and published modifications).

NM_001142966.3(GREB1L):c.1062A>G (p.Ser354=)

Genes: GREB1L (GREB1 like retinoic acid receptor coactivator; plus strand), GREB1L-AS1 (GREB1L antisense RNA 1; minus strand). Cytogenetic location: 18q11.1.
Variant type: single nucleotide variant.
Coding change: c.1062A>G on transcript NM_001142966.3 (MANE Select); coding-DNA position 1062, A replaced by G.
Protein change: p.Ser354=; no amino-acid change (serine 354 retained).
Molecular consequence: synonymous variant.
Genome position (GRCh38, 1-based): chr18:21,440,381, A>G. VCF-style: chr18-21440381-A-G. GRCh37 (hg19) VCF-style: chr18-19020342-A-G.
Other names: c.1062A>G (NM_001142966.1); c.1191A>G, p.Ser397= (NM_001410867.1); c.1062A>G, p.Ser354= (NM_001410868.1).
Identifiers: ClinVar variation 2084258 (VCV002084258.6), dbSNP rs538653254, ClinGen allele CA8906367.
Genomic context (GRCh38, chr18:21,440,381, plus strand): 5'-TGGGTCACCTCTCCCCCAACCTGGCTTAGTTGTACCTGTCCCTACAGTTCGCCCTCTTTC[A>G]AGAACGGGTAAGATTTTAACAGAAGATGGATTGTAAGTGTGTTTTTAATTAGCAGAGATA-3'
Protein context (NP_001136438.1, residues 344-364): VVPVPTVRPL[Ser354=]RTEPLLSAPV